The following is an entry in ClinVar:

NM_000059.4(BRCA2):c.7008-2952C>G

Gene: BRCA2 (BRCA2 DNA repair associated; plus strand). Cytogenetic location: 13q13.1.
Variant type: single nucleotide variant.
Coding change: c.7008-2952C>G on transcript NM_000059.4 (MANE Select); 2952 bases into the intron before coding-DNA position 7008, C replaced by G.
Molecular consequence: intron variant.
Genome position (GRCh38, 1-based): chr13:32,351,909, C>G. VCF-style: chr13-32351909-C-G. GRCh37 (hg19) VCF-style: chr13-32926046-C-G.
Other names: IVS 13-2952C>G.
Identifiers: ClinVar variation 209743 (VCV000209743.1), dbSNP rs11571698, ClinGen allele CA276711.

ClinVar aggregate classification (germline): Benign (3 of 4 stars; one submission).

Conditions:
Breast-ovarian cancer, familial, susceptibility to, 2 (BROVCA2). Also called: BRCA2 Hereditary Breast and Ovarian Cancer. Identifiers: Orphanet 145, MedGen C2675520, MONDO:0012933, OMIM 612555. Disease mechanism: loss of function.

Allele frequency attached by ClinVar (database versions not stated): gnomAD 0.03473 and 0.03853; TOPMed 0.04012; 1000 Genomes Project 30x 0.06839; 1000 Genomes Project 0.07149.
gnomAD v4.1: 5,866 of 152,212 alleles (3.9%); highest among the groups gnomAD compares: South Asian, 11%; 205 homozygotes.

Submission:

Evidence-based Network for the Interpretation of Germline Mutant Alleles (ENIGMA)
Classification: Benign for Breast-ovarian cancer, familial 2. Last evaluated: 2015-01-12. Review status: reviewed by expert panel. Criteria: ENIGMA BRCA1/2 Classification Criteria (2015). Collection method: curation. Allele origin: germline.
Comment: Class 1 not pathogenic based on frequency >1% in an outbred sampleset. Frequency 0.1031 (Asian), 0.01423 (African), 0.0343 (European), derived from 1000 genomes (2012-04-30).